The following is an entry in ClinVar:

ClinVar aggregate classification (germline): Uncertain significance. Review status: criteria provided, multiple submitters, no conflicts (2 of 4 stars). 4 submissions from 4 submitters: Uncertain significance (4). Last evaluated 2025-10-21.

Conditions:
Inborn genetic diseases. Identifiers: MedGen C0950123, MeSH D030342.

Allele frequency attached by ClinVar (database versions not stated): ExAC 0.00002; gnomAD 0.00012; TOPMed 0.00016.
gnomAD v4.1: 38 of 1,614,114 alleles (0.0024%); highest among the groups gnomAD compares: African/African-American, 0.043%; no homozygotes.

Submissions (4):

Athena Diagnostics
Classification: Uncertain significance. Last evaluated: 2025-10-21. Review status: criteria provided, single submitter. Criteria: Athena Diagnostics Criteria. Collection method: clinical testing. Allele origin: unknown.
Comment: Available data are insufficient to determine the clinical significance of the variant at this time. The frequency of this variant in the general population is uninformative in assessment of its pathogenicity. Polyphen and MutationTaster predict this amino acid change may be benign.

Labcorp Genetics (formerly Invitae), Labcorp
Classification: Uncertain significance. Last evaluated: 2023-12-22. Review status: criteria provided, single submitter. Criteria: Invitae Variant Classification Sherloc (09022015). Collection method: clinical testing. Allele origin: germline.
Comment: This sequence change replaces lysine, which is basic and polar, with threonine, which is neutral and polar, at codon 543 of the MTPAP protein (p.Lys543Thr). This variant is present in population databases (rs752913555, gnomAD 0.03%). This variant has not been reported in the literature in individuals affected with MTPAP-related conditions. ClinVar contains an entry for this variant (Variation ID: 2085783). An algorithm developed to predict the effect of missense changes on protein structure and function (PolyPhen-2) suggests that this variant¬†is likely to be tolerated. In summary, the available evidence is currently insufficient to determine the role of this variant in disease. Therefore, it has been classified as a Variant of Uncertain Significance.

Ambry Genetics
Classification: Uncertain significance for Inborn genetic diseases. Last evaluated: 2023-12-16. Review status: criteria provided, single submitter. Criteria: Ambry Variant Classification Scheme 2023. Collection method: clinical testing. Allele origin: germline.

GeneDx
Classification: Uncertain significance. Last evaluated: 2023-02-13. Review status: criteria provided, single submitter. Criteria: GeneDx Variant Classification Process June 2021. Collection method: clinical testing. Allele origin: germline. Affected: yes.
Comment: In silico analysis supports that this missense variant does not alter protein structure/function; Has not been previously published as pathogenic or benign to our knowledge

NM_018109.4(MTPAP):c.1628A>C (p.Lys543Thr)

Gene: MTPAP (mitochondrial poly(A) polymerase; minus strand). Cytogenetic location: 10p11.23.
Variant type: single nucleotide variant.
Coding change: c.1628A>C on transcript NM_018109.4 (MANE Select); coding-DNA position 1628, A replaced by C.
Protein change: p.Lys543Thr; replaces lysine 543 with threonine.
Molecular consequence: missense variant.
Genome position (GRCh38, 1-based): chr10:30,313,730, T>G on the plus strand (A>C on the coding strand, the complement: MTPAP is on the minus strand). VCF-style: chr10-30313730-T-G. GRCh37 (hg19) VCF-style: chr10-30602659-T-G.
Other names: c.1628A>C (NM_018109.3); short protein forms K543T.
Identifiers: ClinVar variation 2085783 (VCV002085783.5), dbSNP rs752913555, ClinGen allele CA5458916.
Genomic context (GRCh38, chr10:30,313,730, plus strand): 5'-CCTTTTAAAGATTCTAGCAAGTTTTTGACTGTTTCAATTGCAAACTTATTGCTTTTCTTC[T>G]TGGTAAAGGACTTTCTGTTTGGAGCAGATGGTAGCAATAGGGATACCAGCCCCCAGGGCC-3'
Protein context (NP_060579.3, residues 533-553): PSAPNRKSFT[Lys543Thr]KKSNKFAIET